The following is an entry in ClinVar:

NM_001378454.1(ALMS1):c.5084C>T (p.Pro1695Leu)

Gene: ALMS1 (ALMS1 centrosome and basal body associated protein; plus strand). Cytogenetic location: 2p13.1.
Variant type: single nucleotide variant.
Coding change: c.5084C>T on transcript NM_001378454.1 (MANE Select); coding-DNA position 5084, C replaced by T.
Protein change: p.Pro1695Leu; replaces proline 1695 with leucine.
Molecular consequence: missense variant.
Genome position (GRCh38, 1-based): chr2:73,451,611, C>T. VCF-style: chr2-73451611-C-T. GRCh37 (hg19) VCF-style: chr2-73678738-C-T.
Other names: c.5087C>T, p.Pro1696Leu (NM_015120.4); short protein forms P1695L, P1696L.
Identifiers: ClinVar variation 1501796 (VCV001501796.4), dbSNP rs756796770, ClinGen allele CA1713820.
Genomic context (GRCh38, chr2:73,451,611, plus strand): 5'-ACCAGCAGACCCTATCAGACAGTCATTTACCTGAAGAAGCTCTGAAAGTTCCACCTGTTC[C>T]TGGACCAGATGCCCAGAAGACTGAGACACCATCAGTATCCTCTAGTTTATACTCATATAG-3'
Protein context (NP_001365383.1, residues 1685-1705): PEEALKVPPV[Pro1695Leu]GPDAQKTETP

ClinVar aggregate classification (germline): Uncertain significance. Review status: criteria provided, multiple submitters, no conflicts (2 of 4 stars). 2 submissions from 2 submitters: Uncertain significance (2). Last evaluated 2022-04-11.

Conditions:
Alstrom syndrome (ALMS). Identifiers: Orphanet 64, MedGen C0268425, MONDO:0008763, OMIM 203800.

Allele frequency attached by ClinVar (database versions not stated): ExAC 0.00001; gnomAD 0.00001; gnomAD exomes 0.00001; TOPMed 0.00002.
gnomAD v4.1: 13 of 1,613,978 alleles (0.00081%); highest among the groups gnomAD compares: Non-Finnish European, 0.0011%; no homozygotes.

Submissions (2):

Labcorp Genetics (formerly Invitae), Labcorp
Classification: Uncertain significance for Alstrom syndrome. Last evaluated: 2022-04-11. Review status: criteria provided, single submitter. Criteria: Invitae Variant Classification Sherloc (09022015). Collection method: clinical testing. Allele origin: germline.
Comment: This sequence change replaces proline, which is neutral and non-polar, with leucine, which is neutral and non-polar, at codon 1696 of the ALMS1 protein (p.Pro1696Leu). This variant is present in population databases (rs756796770, gnomAD 0.003%). This variant has not been reported in the literature in individuals affected with ALMS1-related conditions. Experimental studies and prediction algorithms are not available or were not evaluated, and the functional significance of this variant is currently unknown. In summary, the available evidence is currently insufficient to determine the role of this variant in disease. Therefore, it has been classified as a Variant of Uncertain Significance.

Fulgent Genetics
Classification: Uncertain significance for Alstrom syndrome. Last evaluated: 2021-11-14. Review status: criteria provided, single submitter. Criteria: ACMG Guidelines, 2015. Collection method: clinical testing. Allele origin: unknown.